The following is an entry in ClinVar:

ClinVar aggregate classification (germline): Pathogenic (1 of 4 stars; one submission).

Conditions:
3-methylglutaconic aciduria type 5. Also called: MGA, TYPE V; CARDIOMYOPATHY, DILATED, WITH ATAXIA; 3 alpha methylglutaconic aciduria type V; MGA 5. Identifiers: Orphanet 66634, MedGen C1857776, MONDO:0012435, OMIM 610198.

Submission:

Labcorp Genetics (formerly Invitae), Labcorp
Classification: Pathogenic for 3-methylglutaconic aciduria type 5. Last evaluated: 2023-11-07. Review status: criteria provided, single submitter. Criteria: Invitae Variant Classification Sherloc (09022015). Collection method: clinical testing. Allele origin: germline.
Comment: This variant is a gross deletion of the genomic region encompassing exon(s) 1 of the DNAJC19 gene, which includes the initiator codon. This deletion extends beyond the assayed region for this gene and therefore may encompass additional genes. It is expected to result in an absent or disrupted protein product. Loss-of-function variants in DNAJC19 are known to be pathogenic (PMID: 16055927, 27928778). This variant has not been reported in the literature in individuals affected with DNAJC19-related conditions. For these reasons, this variant has been classified as Pathogenic.

Literature cited by the submitters: PubMed 16055927; PubMed 27928778.

NC_000003.11:g.(?_180707368)_(180707390_?)del

Gene: DNAJC19 (DnaJ heat shock protein family (Hsp40) member C19; minus strand). Cytogenetic location: 3q26.33.
Variant type: Deletion.
Identifiers: ClinVar variation 1460139 (VCV001460139.5).